The following is an entry in ClinVar:

ClinVar aggregate classification (germline): Uncertain significance (1 of 4 stars; one submission).

Conditions:
Genitopatellar syndrome (GTPTS). Also called: Genitopatellar syndrome (GPS); ABSENT PATELLAE, SCROTAL HYPOPLASIA, RENAL ANOMALIES, FACIAL DYSMORPHISM, AND MENTAL RETARDATION. Identifiers: Orphanet 85201, MedGen C1853566, MONDO:0011640, OMIM 606170.

Allele frequency attached by ClinVar (database versions not stated): gnomAD exomes below 0.00001.
gnomAD v4.1: 2 of 1,585,352 alleles (0.00013%); highest among the groups gnomAD compares: Non-Finnish European, 0.00017%; no homozygotes.

Submission:

Labcorp Genetics (formerly Invitae), Labcorp
Classification: Uncertain significance for Genitopatellar syndrome. Last evaluated: 2023-11-19. Review status: criteria provided, single submitter. Criteria: Invitae Variant Classification Sherloc (09022015). Collection method: clinical testing. Allele origin: germline.
Comment: This sequence change replaces glutamic acid, which is acidic and polar, with aspartic acid, which is acidic and polar, at codon 1093 of the KAT6B protein (p.Glu1093Asp). This variant is not present in population databases (gnomAD no frequency). This variant has not been reported in the literature in individuals affected with KAT6B-related conditions. Advanced modeling of protein sequence and biophysical properties (such as structural, functional, and spatial information, amino acid conservation, physicochemical variation, residue mobility, and thermodynamic stability) performed at Invitae indicates that this missense variant is not expected to disrupt KAT6B protein function with a negative predictive value of 80%. In summary, the available evidence is currently insufficient to determine the role of this variant in disease. Therefore, it has been classified as a Variant of Uncertain Significance.

NM_012330.4(KAT6B):c.3279G>T (p.Glu1093Asp)

Gene: KAT6B (lysine acetyltransferase 6B; plus strand). Cytogenetic location: 10q22.2.
Variant type: single nucleotide variant.
Coding change: c.3279G>T on transcript NM_012330.4 (MANE Select); coding-DNA position 3279, G replaced by T.
Protein change: p.Glu1093Asp; replaces glutamic acid 1093 with aspartic acid.
Molecular consequence: missense variant.
Genome position (GRCh38, 1-based): chr10:75,022,138, G>T. VCF-style: chr10-75022138-G-T. GRCh37 (hg19) VCF-style: chr10-76781896-G-T.
Other names: c.2730G>T, p.Glu910Asp (NM_001256468.2, NM_001370138.1); c.2403G>T, p.Glu801Asp (NM_001256469.2, NM_001370139.1, NM_001370140.1 and 2 more transcripts); c.2241G>T, p.Glu747Asp (NM_001370132.1); c.1590G>T, p.Glu530Asp (NM_001370133.1); c.1194G>T, p.Glu398Asp (NM_001370134.1); c.936G>T, p.Glu312Asp (NM_001370135.1); c.3279G>T, p.Glu1093Asp (NM_001370136.1, NM_001370137.1); c.2214G>T, p.Glu738Asp (NM_001370143.1, NM_001370144.1); short protein forms E1093D, E910D, E312D, E398D, E738D, E530D, E747D, E801D.
Identifiers: ClinVar variation 2876933 (VCV002876933.3), dbSNP rs2549170567, ClinGen allele CA377284734.